The following is an entry in ClinVar:

ClinVar aggregate classification (germline): Uncertain significance (1 of 4 stars; one submission).

Allele frequency attached by ClinVar (database versions not stated): gnomAD 0.00001; gnomAD exomes 0.00001; TOPMed 0.00001; ExAC 0.00002.
gnomAD v4.1: 10 of 1,613,146 alleles (0.00062%); highest among the groups gnomAD compares: African/African-American, 0.004%; no homozygotes.

Submission:

Labcorp Genetics (formerly Invitae), Labcorp
Classification: Uncertain significance. Last evaluated: 2023-05-23. Review status: criteria provided, single submitter. Criteria: Invitae Variant Classification Sherloc (09022015). Collection method: clinical testing. Allele origin: germline.
Comment: This variant has not been reported in the literature in individuals affected with KSR2-related conditions. In summary, the available evidence is currently insufficient to determine the role of this variant in disease. Therefore, it has been classified as a Variant of Uncertain Significance. An algorithm developed to predict the effect of missense changes on protein structure and function (PolyPhen-2) suggests that this variant is likely to be disruptive. This variant is present in population databases (rs775404668, gnomAD 0.004%). This sequence change replaces arginine, which is basic and polar, with cysteine, which is neutral and slightly polar, at codon 327 of the KSR2 protein (p.Arg327Cys).

NM_173598.6(KSR2):c.1066C>T (p.Arg356Cys)

Gene: KSR2 (kinase suppressor of ras 2; minus strand). Cytogenetic location: 12q24.22.
Variant type: single nucleotide variant.
Coding change: c.1066C>T on transcript NM_173598.6 (MANE Select); coding-DNA position 1066, C replaced by T.
Protein change: p.Arg356Cys; replaces arginine 356 with cysteine.
Molecular consequence: missense variant.
Genome position (GRCh38, 1-based): chr12:117,667,579, G>A on the plus strand (C>T on the coding strand, the complement: KSR2 is on the minus strand). VCF-style: chr12-117667579-G-A. GRCh37 (hg19) VCF-style: chr12-118105384-G-A.
Other names: short protein forms R356C.
Identifiers: ClinVar variation 2715066 (VCV002715066.3), dbSNP rs775404668, ClinGen allele CA6816151.